The following is an entry in ClinVar:

NM_001353108.3(CEP63):c.1722C>A (p.Tyr574Ter)

Gene: CEP63 (centrosomal protein 63; plus strand). Cytogenetic location: 3q22.2.
Variant type: single nucleotide variant.
Coding change: c.1722C>A on transcript NM_001353108.3 (MANE Select); coding-DNA position 1722, C replaced by A.
Protein change: p.Tyr574Ter; replaces tyrosine 574 with a stop codon.
Molecular consequence: nonsense. On other transcripts: non-coding transcript variant (3), intron variant (17).
Genome position (GRCh38, 1-based): chr3:134,559,198, C>A. VCF-style: chr3-134559198-C-A. GRCh37 (hg19) VCF-style: chr3-134278040-C-A.
Other names: c.1584C>A, p.Tyr528Ter (NM_001353109.1); c.1722C>A, p.Tyr574Ter (NM_025180.5); c.1467+7186C>A (NM_001353113.1, NM_001353117.2); c.1329+7186C>A (NM_001042384.2, NM_001353124.2, NM_001353123.2); c.1330-2179C>A (NM_001353122.1, NM_001042383.2, NM_001353121.2 and 2 more transcripts); c.1468-2179C>A (NM_001353110.1, NM_001353112.2, NM_001353111.2 and 1 more transcripts); c.1357-2179C>A (NM_001353118.1); c.967-2179C>A (NM_001353126.2); and 1 more; short protein forms Y528*, Y574*.
Identifiers: ClinVar variation 1380648 (VCV001380648.6), dbSNP rs368122278, ClinGen allele CA2628771.

ClinVar aggregate classification (germline): Pathogenic (1 of 4 stars; one submission).

Allele frequency attached by ClinVar (database versions not stated): gnomAD 0.00004; TOPMed 0.00005; ESP Exome Variant Server 0.00015.
gnomAD v4.1: 96 of 1,614,022 alleles (0.0059%); highest among the groups gnomAD compares: Non-Finnish European, 0.0049%; no homozygotes.

Submission:

Labcorp Genetics (formerly Invitae), Labcorp
Classification: Pathogenic. Last evaluated: 2025-12-19. Review status: criteria provided, single submitter. Criteria: Invitae Variant Classification Sherloc (09022015). Collection method: clinical testing. Allele origin: germline.
Comment: This sequence change creates a premature translational stop signal (p.Tyr574*) in the CEP63 gene. It is expected to result in an absent or disrupted protein product. Loss-of-function variants in CEP63 are known to be pathogenic (PMID: 21983783, 23936128, 26158450). This variant is present in population databases (rs368122278, gnomAD 0.09%). This variant has not been reported in the literature in individuals affected with CEP63-related conditions. ClinVar contains an entry for this variant (Variation ID: 1380648). Algorithms developed to predict the effect of sequence changes on RNA splicing suggest that this variant may disrupt the consensus splice site. For these reasons, this variant has been classified as Pathogenic.

Literature cited by the submitters: PubMed 21983783; PubMed 23936128; PubMed 26158450.